The following is an entry in ClinVar:

ClinVar aggregate classification (germline): Uncertain significance (1 of 4 stars; one submission).

Allele frequency attached by ClinVar (database versions not stated): gnomAD exomes below 0.00001 and 0.00001.
gnomAD v4.1: 2 of 1,614,002 alleles (0.00012%); highest among the groups gnomAD compares: Admixed American, 0.0033%; no homozygotes.

Submission:

Labcorp Genetics (formerly Invitae), Labcorp
Classification: Uncertain significance. Last evaluated: 2021-09-01. Review status: criteria provided, single submitter. Criteria: Invitae Variant Classification Sherloc (09022015). Collection method: clinical testing. Allele origin: germline.
Comment: This sequence change replaces threonine with alanine at codon 382 of the MUT protein (p.Thr382Ala). The threonine residue is highly conserved and there is a small physicochemical difference between threonine and alanine. This variant is not present in population databases (ExAC no frequency). This variant has not been reported in the literature in individuals affected with MUT-related conditions. Algorithms developed to predict the effect of missense changes on protein structure and function are either unavailable or do not agree on the potential impact of this missense change (SIFT: "Deleterious"; PolyPhen-2: "Possibly Damaging"; Align-GVGD: "Class C0"). In summary, the available evidence is currently insufficient to determine the role of this variant in disease. Therefore, it has been classified as a Variant of Uncertain Significance.

NM_000255.4(MMUT):c.1144A>G (p.Thr382Ala)

Gene: MMUT (methylmalonyl-CoA mutase; minus strand). Cytogenetic location: 6p12.3.
Variant type: single nucleotide variant.
Coding change: c.1144A>G on transcript NM_000255.4 (MANE Select); coding-DNA position 1144, A replaced by G.
Protein change: p.Thr382Ala; replaces threonine 382 with alanine.
Molecular consequence: missense variant.
Genome position (GRCh38, 1-based): chr6:49,451,654, T>C on the plus strand (A>G on the coding strand, the complement: MMUT is on the minus strand). VCF-style: chr6-49451654-T-C. GRCh37 (hg19) VCF-style: chr6-49419367-T-C.
Other names: short protein forms T382A.
Identifiers: ClinVar variation 1402699 (VCV001402699.5), dbSNP rs1471923240, ClinGen allele CA364399028.